The following is an entry in ClinVar:

NM_000210.4(ITGA6):c.2623_2632del (p.Gly875fs)

Genes: ITGA6 (integrin subunit alpha 6; plus strand), PDK1-AS1 (PDK1 and ITGA6 antisense RNA 1; minus strand). Cytogenetic location: 2q31.1.
Variant type: Deletion.
Coding change: c.2623_2632del on transcript NM_000210.4 (MANE Select); coding-DNA positions 2623 to 2632, 10 bases deleted (GGATTGGAAA; older notation c.2623_2632delGGATTGGAAA).
Protein change: p.Gly875fs; shifts the reading frame from glycine 875.
Molecular consequence: frameshift variant.
Genome position (GRCh38, 1-based): chr2:172,489,602-172,489,611, GGATTGGAAA deleted; deleting any 10 consecutive bases within chr2:172,489,599-172,489,611 gives the same sequence; the c. name uses the placement nearest the transcript's 3' end. VCF-style (leftmost placement, unchanged base first): chr2-172489598-CAAAGGATTGG-C. GRCh37 (hg19) VCF-style: chr2-173354326-CAAAGGATTGG-C.
Other names: c.2623_2632del, p.Gly875fs (NM_001079818.3, NM_001365529.2, NM_001365530.2); c.2266_2275del, p.Gly756fs (NM_001316306.2); c.2740_2749del, p.Gly914fs (NM_001394928.1); short protein forms G914fs, G756fs, G875fs.
Identifiers: ClinVar variation 2840417 (VCV002840417.3), dbSNP rs2468389595, ClinGen allele CA2739271660.

ClinVar aggregate classification (germline): Pathogenic (1 of 4 stars; one submission).

Submission:

Labcorp Genetics (formerly Invitae), Labcorp
Classification: Pathogenic. Last evaluated: 2023-02-24. Review status: criteria provided, single submitter. Criteria: Invitae Variant Classification Sherloc (09022015). Collection method: clinical testing. Allele origin: germline.
Comment: For these reasons, this variant has been classified as Pathogenic. Algorithms developed to predict the effect of sequence changes on RNA splicing suggest that this variant may disrupt the consensus splice site. This variant has not been reported in the literature in individuals affected with ITGA6-related conditions. This variant is not present in population databases (gnomAD no frequency). This sequence change creates a premature translational stop signal (p.Gly875Argfs*2) in the ITGA6 gene. It is expected to result in an absent or disrupted protein product. Loss-of-function variants in ITGA6 are known to be pathogenic (PMID: 9158140, 9185503, 9804362, 27607025).

Literature cited by the submitters: PubMed 9158140; PubMed 9185503; PubMed 9804362; PubMed 27607025.